The following is an entry in ClinVar:

NM_198859.4(PRICKLE2):c.1937A>G (p.Asp646Gly)

Genes: PRICKLE2 (prickle planar cell polarity protein 2; minus strand), PRICKLE2-AS1 (PRICKLE2 antisense RNA 1; plus strand). Cytogenetic location: 3p14.1.
Variant type: single nucleotide variant.
Coding change: c.1937A>G on transcript NM_198859.4 (MANE Select); coding-DNA position 1937, A replaced by G.
Protein change: p.Asp646Gly; replaces aspartic acid 646 with glycine.
Molecular consequence: missense variant. On other transcripts: non-coding transcript variant (1).
Genome position (GRCh38, 1-based): chr3:64,099,649, T>C on the plus strand (A>G on the coding strand, the complement: PRICKLE2 is on the minus strand). VCF-style: chr3-64099649-T-C. GRCh37 (hg19) VCF-style: chr3-64085325-T-C.
Other names: c.1937A>G, p.Asp646Gly (NM_001370528.1); c.1937A>G (NM_198859.3); short protein forms D646G.
Identifiers: ClinVar variation 502649 (VCV000502649.11), dbSNP rs533891439, ClinGen allele CA2479524.

ClinVar aggregate classification (germline): Uncertain significance. Review status: criteria provided, multiple submitters, no conflicts (2 of 4 stars). 3 submissions from 3 submitters: Uncertain significance (3). Last evaluated 2025-12-08.

Conditions:
Progressive myoclonic epilepsy type 5. Identifiers: Orphanet 402082, MedGen C5190799.

Allele frequency attached by ClinVar (database versions not stated): gnomAD exomes 0.00001; ExAC 0.00002; gnomAD 0.00007 and 0.00008; TOPMed 0.00011; 1000 Genomes Project 30x 0.00016; 1000 Genomes Project 0.00020.
gnomAD v4.1: 18 of 1,614,110 alleles (0.0011%); highest among the groups gnomAD compares: African/African-American, 0.015%; no homozygotes.

Submissions (3):

Labcorp Genetics (formerly Invitae), Labcorp
Classification: Uncertain significance for Progressive myoclonic epilepsy type 5. Last evaluated: 2025-12-08. Review status: criteria provided, single submitter. Criteria: Invitae Variant Classification Sherloc (09022015). Collection method: clinical testing. Allele origin: germline.
Comment: This sequence change replaces aspartic acid, which is acidic and polar, with glycine, which is neutral and non-polar, at codon 646 of the PRICKLE2 protein (p.Asp646Gly). This variant is present in population databases (rs533891439, gnomAD 0.01%). This variant has not been reported in the literature in individuals affected with PRICKLE2-related conditions. ClinVar contains an entry for this variant (Variation ID: 502649). Invitae Evidence Modeling of protein sequence and biophysical properties (such as structural, functional, and spatial information, amino acid conservation, physicochemical variation, residue mobility, and thermodynamic stability) indicates that this missense variant is not expected to disrupt PRICKLE2 protein function with a negative predictive value of 80%. In summary, the available evidence is currently insufficient to determine the role of this variant in disease. Therefore, it has been classified as a Variant of Uncertain Significance.

Ambry Genetics
Classification: Uncertain significance. Last evaluated: 2025-01-08. Review status: criteria provided, single submitter. Criteria: Ambry Variant Classification Scheme 2023. Collection method: clinical testing. Allele origin: germline.

Eurofins Ntd Llc (ga)
Classification: Uncertain significance. Last evaluated: 2017-06-27. Review status: criteria provided, single submitter. Criteria: EGL Classification Definitions 2015. Collection method: clinical testing. Allele origin: germline. Observed: 1 variant allele, 1 heterozygote.